The following is an entry in ClinVar:

NM_000501.4(ELN):c.1675G>A (p.Val559Ile)

Genes: ELN (elastin; plus strand), ELN-AS1 (ELN antisense RNA 1; minus strand). Cytogenetic location: 7q11.23.
Variant type: single nucleotide variant.
Coding change: c.1675G>A on transcript NM_000501.4 (MANE Select); coding-DNA position 1675, G replaced by A.
Protein change: p.Val559Ile; replaces valine 559 with isoleucine.
Molecular consequence: missense variant.
Genome position (GRCh38, 1-based): chr7:74,060,429, G>A. VCF-style: chr7-74060429-G-A. GRCh37 (hg19) VCF-style: chr7-73474759-G-A.
Other names: c.1588G>A, p.Val530Ile (NM_001081752.3); c.1633G>A, p.Val545Ile (NM_001081753.3); c.1690G>A, p.Val564Ile (NM_001081754.3); c.1618G>A, p.Val540Ile (NM_001081755.3); c.1675G>A, p.Val559Ile (NM_001278912.2); c.1432G>A, p.Val478Ile (NM_001278913.2); c.1603G>A, p.Val535Ile (NM_001278914.2); c.1693G>A, p.Val565Ile (NM_001278915.2); and 5 more; short protein forms V559I, V588I, V530I, V545I, V470I, V478I, V511I, V535I.
Identifiers: ClinVar variation 524219 (VCV000524219.59), dbSNP rs560081099, ClinGen allele CA4293156.

ClinVar aggregate classification (germline): Conflicting classifications of pathogenicity. Review status: criteria provided, conflicting classifications (1 of 4 stars). 8 submissions from 8 submitters: Uncertain significance (3); Likely benign (4). 1 of the submissions does not count toward it. Last evaluated 2026-01-07.

Conditions:
Supravalvar aortic stenosis (SVAS). Also called: Supravalvar aortic stenosis, Eisenberg type. Identifiers: Orphanet 3193, MedGen C0003499, MONDO:0008504, OMIM 185500, HP:0004381.
ELN-related disorder.
Inborn genetic diseases. Identifiers: MedGen C0950123, MeSH D030342.
Williams syndrome (WBS). Also called: CHROMOSOME 7q11.23 DELETION SYNDROME, 1.5- TO 1.8-MB; WILLIAMS-BEUREN SYNDROME. Identifiers: Orphanet 904, MedGen C0175702, MONDO:0008678, OMIM 194050. Disease mechanism: loss of function.
Cutis laxa, autosomal dominant 1 (ADCL1). Also called: ELN-Related Cutis Laxa. Identifiers: Orphanet 90348, MedGen C3276539, MONDO:0007411, OMIM 123700. Disease mechanism: Dominant Negative.

Allele frequency attached by ClinVar (database versions not stated): gnomAD exomes 0.00004 and 0.00012; TOPMed 0.00009; ExAC 0.00011; gnomAD 0.00015 and 0.00018; 1000 Genomes Project 30x 0.00062; 1000 Genomes Project 0.00080.
gnomAD v4.1: 97 of 1,614,162 alleles (0.006%); highest among the groups gnomAD compares: East Asian, 0.04%; no homozygotes.

Submissions (8):

Labcorp Genetics (formerly Invitae), Labcorp
Classification: Uncertain significance for Supravalvar aortic stenosis. Last evaluated: 2026-01-07. Review status: criteria provided, single submitter. Criteria: Invitae Variant Classification Sherloc (09022015). Collection method: clinical testing. Allele origin: germline.
Comment: This sequence change replaces valine, which is neutral and non-polar, with isoleucine, which is neutral and non-polar, at codon 588 of the ELN protein (p.Val588Ile). This variant is present in population databases (rs560081099, gnomAD 0.07%), and has an allele count higher than expected for a pathogenic variant. This variant has not been reported in the literature in individuals affected with ELN-related conditions. ClinVar contains an entry for this variant (Variation ID: 524219). Invitae Evidence Modeling of protein sequence and biophysical properties (such as structural, functional, and spatial information, amino acid conservation, physicochemical variation, residue mobility, and thermodynamic stability) indicates that this missense variant is not expected to disrupt ELN protein function with a negative predictive value of 80%. In summary, the available evidence is currently insufficient to determine the role of this variant in disease. Therefore, it has been classified as a Variant of Uncertain Significance.

Laboratory of Genetics, Children's Clinical University Hospital Latvia
Classification: Likely benign. Last evaluated: 2025-02-16. Review status: criteria provided, single submitter. Criteria: ACMG Guidelines, 2015. Collection method: clinical testing. Allele origin: germline. Affected: yes.

Blueprint Genetics
Classification: Likely benign. Last evaluated: 2024-11-25. Review status: criteria provided, single submitter. Criteria: ACMG Guidelines, 2015. Collection method: clinical testing. Allele origin: germline.

Ambry Genetics
Classification: Uncertain significance for Inborn genetic diseases. Last evaluated: 2024-10-25. Review status: criteria provided, single submitter. Criteria: Ambry Variant Classification Scheme 2023. Collection method: clinical testing. Allele origin: germline.

Women's Health and Genetics/Laboratory Corporation of America, LabCorp
Classification: Likely benign. Last evaluated: 2024-08-14. Review status: criteria provided, single submitter. Criteria: LabCorp Variant Classification Summary - May 2015. Collection method: clinical testing. Allele origin: germline.
Comment: Variant summary: ELN c.1762G>A (p.Val588Ile) results in a conservative amino acid change in the encoded protein sequence. Five of five in-silico tools predict a benign effect of the variant on protein function. The variant allele was found at a frequency of 0.00012 in 251470 control chromosomes, predominantly at a frequency of 0.00076 within the East Asian subpopulation in the gnomAD database. The observed variant frequency within East Asian control individuals in the gnomAD database is approximately 24-fold of the estimated maximal expected allele frequency for a pathogenic variant in ELN causing Supravalvar Aortic Stenosis phenotype (3.1e-05). To our knowledge, no occurrence of c.1762G>A in individuals affected with Supravalvar Aortic Stenosis and no experimental evidence demonstrating its impact on protein function have been reported. ClinVar contains an entry for this variant (Variation ID: 524219). Based on the evidence outlined above, the variant was classified as likely benign.

CeGaT Center for Human Genetics Tuebingen
Classification: Likely benign. Last evaluated: 2024-06-01. Review status: criteria provided, single submitter. Criteria: CeGaT Center For Human Genetics Tuebingen Variant Classification Criteria Version 2. Collection method: clinical testing. Allele origin: germline. Affected: yes. Observed: 2 variant alleles.
Comment: ELN: BP4

Fulgent Genetics
Classification: Uncertain significance for Cutis laxa, autosomal dominant 1; Supravalvar aortic stenosis; Williams syndrome. Last evaluated: 2018-10-31. Review status: criteria provided, single submitter. Criteria: ACMG Guidelines, 2015. Collection method: clinical testing. Allele origin: unknown.

PreventionGenetics, part of Exact Sciences
Classification: Likely benign for ELN-related condition. Last evaluated: 2022-01-31. Review status: no assertion criteria provided. Collection method: clinical testing. Allele origin: germline. Not counted in ClinVar's aggregate classification.
Comment: This variant is classified as likely benign based on ACMG/AMP sequence variant interpretation guidelines (Richards et al. 2015 PMID: 25741868, with internal and published modifications).